The following is an entry in ClinVar:

ClinVar aggregate classification (germline): Uncertain significance (1 of 4 stars; one submission).

Allele frequency attached by ClinVar (database versions not stated): TOPMed below 0.00001.

Submission:

Labcorp Genetics (formerly Invitae), Labcorp
Classification: Uncertain significance. Last evaluated: 2023-10-22. Review status: criteria provided, single submitter. Criteria: Invitae Variant Classification Sherloc (09022015). Collection method: clinical testing. Allele origin: germline.
Comment: This sequence change replaces alanine, which is neutral and non-polar, with valine, which is neutral and non-polar, at codon 3228 of the DCHS1 protein (p.Ala3228Val). This variant is not present in population databases (gnomAD no frequency). This variant has not been reported in the literature in individuals affected with DCHS1-related conditions. Advanced modeling of protein sequence and biophysical properties (such as structural, functional, and spatial information, amino acid conservation, physicochemical variation, residue mobility, and thermodynamic stability) performed at Invitae indicates that this missense variant is not expected to disrupt DCHS1 protein function. In summary, the available evidence is currently insufficient to determine the role of this variant in disease. Therefore, it has been classified as a Variant of Uncertain Significance.

NM_003737.4(DCHS1):c.9683C>T (p.Ala3228Val)

Gene: DCHS1 (dachsous cadherin-related 1; minus strand). Cytogenetic location: 11p15.4.
Variant type: single nucleotide variant.
Coding change: c.9683C>T on transcript NM_003737.4 (MANE Select); coding-DNA position 9683, C replaced by T.
Protein change: p.Ala3228Val; replaces alanine 3228 with valine.
Molecular consequence: missense variant.
Genome position (GRCh38, 1-based): chr11:6,621,993, G>A on the plus strand (C>T on the coding strand, the complement: DCHS1 is on the minus strand). VCF-style: chr11-6621993-G-A. GRCh37 (hg19) VCF-style: chr11-6643224-G-A.
Other names: short protein forms A3228V.
Identifiers: ClinVar variation 2874735 (VCV002874735.3), dbSNP rs1855700212, ClinGen allele CA379478248.